The following is an entry in ClinVar:

NM_006231.4(POLE):c.5659G>A (p.Val1887Met)

Gene: POLE (DNA polymerase epsilon, catalytic subunit; minus strand). Cytogenetic location: 12q24.33.
Variant type: single nucleotide variant.
Coding change: c.5659G>A on transcript NM_006231.4 (MANE Select); coding-DNA position 5659, G replaced by A.
Protein change: p.Val1887Met; replaces valine 1887 with methionine.
Molecular consequence: missense variant.
Genome position (GRCh38, 1-based): chr12:132,638,033, C>T on the plus strand (G>A on the coding strand, the complement: POLE is on the minus strand). VCF-style: chr12-132638033-C-T. GRCh37 (hg19) VCF-style: chr12-133214619-C-T.
Other names: short protein forms V1887M.
Identifiers: ClinVar variation 240570 (VCV000240570.81), dbSNP rs114119067, ClinGen allele CA6892448.

ClinVar aggregate classification (germline): Conflicting classifications of pathogenicity. Review status: criteria provided, conflicting classifications (1 of 4 stars). 18 submissions from 18 submitters: Uncertain significance (4); Benign (2); Likely benign (9). 3 of the submissions do not count toward it. Last evaluated 2026-02-03.

Conditions:
Hereditary cancer. Identifiers: MedGen C1333600.
POLE-related disorder. Also called: POLE-related condition; POLE-related disorders.
Facial dysmorphism-immunodeficiency-livedo-short stature syndrome. Also called: FILS syndrome; Facial dysmorphism, immunodeficiency, livedo, and short stature. Identifiers: Orphanet 352712, MedGen C3554576, MONDO:0014058, OMIM 615139.
Hereditary cancer-predisposing syndrome. Also called: Tumor predisposition; Hereditary Cancer Syndrome; Neoplastic Syndromes, Hereditary; Hereditary neoplastic syndrome. Identifiers: Orphanet 140162, MedGen C0027672, MeSH D009386, MONDO:0015356.
Familial colorectal cancer type X. Identifiers: Orphanet 440437, MedGen C3896578, MONDO:0018604.

Allele frequency attached by ClinVar (database versions not stated): gnomAD 0.00043 and 0.00047; TOPMed 0.00045; gnomAD exomes 0.00051 and 0.00067; ExAC 0.00053; ESP Exome Variant Server 0.00062.
gnomAD v4.1: 1,032 of 1,613,832 alleles (0.064%); highest among the groups gnomAD compares: Admixed American, 0.11%; no homozygotes.

Submissions (18):

Labcorp Genetics (formerly Invitae), Labcorp
Classification: Likely benign. Last evaluated: 2026-02-03. Review status: criteria provided, single submitter. Criteria: Invitae Variant Classification Sherloc (09022015). Collection method: clinical testing. Allele origin: germline.

Center for Genomic Medicine, Rigshospitalet, Copenhagen University Hospital
Classification: Benign. Last evaluated: 2025-12-29. Review status: criteria provided, single submitter. Criteria: ACMG Guidelines, 2015. Collection method: clinical testing. Allele origin: germline.
Comment: Classification criteria: BA1

CeGaT Center for Human Genetics Tuebingen
Classification: Likely benign. Last evaluated: 2025-04-01. Review status: criteria provided, single submitter. Criteria: CeGaT Center For Human Genetics Tuebingen Variant Classification Criteria Version 2. Collection method: clinical testing. Allele origin: germline. Affected: yes. Observed: 3 variant alleles.
Comment: POLE: BP4

Mayo Clinic Laboratories, Mayo Clinic
Classification: Likely benign. Last evaluated: 2025-01-21. Review status: criteria provided, single submitter. Criteria: ACMG Guidelines, 2015. Collection method: clinical testing. Allele origin: germline. Observed: 1 variant allele.
Comment: BS1, BP4_moderate

Department of Pathology and Laboratory Medicine, Sinai Health System
Classification: Likely benign for Familial colorectal cancer type X. Last evaluated: 2024-07-11. Review status: criteria provided, single submitter. Criteria: ACMG Guidelines, 2015. Collection method: clinical testing. Allele origin: germline. Affected: yes.

Ambry Genetics
Classification: Benign for Hereditary cancer-predisposing syndrome. Last evaluated: 2024-02-28. Review status: criteria provided, single submitter. Criteria: Ambry Variant Classification Scheme 2023. Collection method: clinical testing. Allele origin: germline.

Mendelics
Classification: Likely benign for Hereditary cancer. Last evaluated: 2024-01-23. Review status: criteria provided, single submitter. Criteria: ACMG Guidelines, 2015. Collection method: clinical testing. Allele origin: unknown.

Institute for Clinical Genetics, University Hospital TU Dresden, University Hospital TU Dresden
Classification: Uncertain significance. Last evaluated: 2021-11-03. Review status: criteria provided, single submitter. Criteria: ACMG Guidelines, 2015. Collection method: clinical testing. Allele origin: germline.

Baylor Genetics
Classification: Uncertain significance for Facial dysmorphism-immunodeficiency-livedo-short stature syndrome. Last evaluated: 2021-05-31. Review status: criteria provided, single submitter. Criteria: ACMG Guidelines, 2015. Collection method: clinical testing. Allele origin: unknown. Affected: yes. Study: CSER-TexasKidsCanSeq.
Comment: This variant was determined to be of uncertain significance according to ACMG Guidelines, 2015 [PMID:25741868].

Genetic Services Laboratory, University of Chicago
Classification: Likely benign. Last evaluated: 2021-04-05. Review status: criteria provided, single submitter. Criteria: ACMG Guidelines, 2015. Collection method: clinical testing. Allele origin: germline. Affected: no.

Sema4
Classification: Likely benign for Hereditary cancer-predisposing syndrome. Last evaluated: 2021-01-31. Review status: criteria provided, single submitter. Criteria: Sema4 Curation Guidelines. Collection method: curation. Allele origin: germline.

ARUP Laboratories, Molecular Genetics and Genomics, ARUP Laboratories
Classification: Uncertain significance. Last evaluated: 2020-12-23. Review status: criteria provided, single submitter. Criteria: ARUP Molecular Germline Variant Investigation Process 2021. Collection method: clinical testing. Allele origin: germline.
Comment: The POLE c.5659G>A; p.Val1887Met variant (rs114119067) is reported in the literature in two individuals with a cancer phenotype and one individual with rapid-onset obesity with hypothalamic dysfunction, hypoventilation, and autonomic dysregulation (Barclay 2015, Feliubadaló 2017, and Gray 2018). This variant is also reported in ClinVar (Variation ID: 240570) and is found in the general population with an allele frequency of 0.049% (138/282,752 alleles) in the Genome Aggregation Database. The valine at codon 1887 is moderately conserved, and computational analyses predict that this variant is neutral (REVEL: 0.073). This variant is not located in the exonuclease domain (Palles 2013), and gene-disease association has not been established for variants outside of the exonuclease domain (Seifert 2019). However, given the lack of clinical and functional data, the significance of the p.Val1887Met variant is uncertain at this time.

GeneDx
Classification: Likely benign. Last evaluated: 2020-06-16. Review status: criteria provided, single submitter. Criteria: GeneDx Variant Classification Process June 2021. Collection method: clinical testing. Allele origin: germline. Affected: yes.
Comment: This variant is associated with the following publications: (PMID: 26302956, 28050010)

Women's Health and Genetics/Laboratory Corporation of America, LabCorp
Classification: Likely benign. Last evaluated: 2019-02-19. Review status: criteria provided, single submitter. Criteria: LabCorp Variant Classification Summary - May 2015. Collection method: clinical testing. Allele origin: germline.
Comment: Variant summary: POLE c.5659G>A (p.Val1887Met) results in a conservative amino acid change located in the DNA polymerase epsilon, catalytic subunit A, C-terminal domain of the encoded protein sequence. Four of five in-silico tools predict a benign effect of the variant on protein function. The variant allele was found at a frequency of 0.00047 in 277072 control chromosomes, predominantly at a frequency of 0.001 within the Latino subpopulation in the gnomAD database. The observed variant frequency within Latino control individuals in the gnomAD database is approximately 70 fold of the estimated maximal expected allele frequency for a pathogenic variant in POLE causing Colorectal Cancer phenotype (1.4e-05), strongly suggesting that the variant is a benign polymorphism found primarily in populations of Latino origin. c.5659G>A has been reported in the literature in individuals associated with cancer phenotype and rapid-onset obesity with hypothalamic dysfunction, hypoventilation, and autonomic dysregulation (Gray_2018, Feliubadalo_2017, Barclay_2015). These reports do not provide unequivocal conclusions about association of the variant with Colorectal Cancer. To our knowledge, no experimental evidence demonstrating an impact on protein function has been reported. Four ClinVar submissions from clinical diagnostic laboratories cite the variant as uncertain significance (3x) and once as likely benign. Based on the evidence outlined above, the variant was classified as likely benign.

Quest Diagnostics Nichols Institute San Juan Capistrano
Classification: Uncertain significance. Last evaluated: 2017-05-17. Review status: criteria provided, single submitter. Criteria: Quest Diagnostics criteria. Collection method: clinical testing. Allele origin: germline.

PreventionGenetics, part of Exact Sciences
Classification: Likely benign for POLE-related condition. Last evaluated: 2024-04-17. Review status: no assertion criteria provided. Collection method: clinical testing. Allele origin: germline. Not counted in ClinVar's aggregate classification.
Comment: This variant is classified as likely benign based on ACMG/AMP sequence variant interpretation guidelines (Richards et al. 2015 PMID: 25741868, with internal and published modifications).

Clinical Genetics DNA and cytogenetics Diagnostics Lab, Erasmus MC, Erasmus Medical Center
Classification: Likely benign. Review status: no assertion criteria provided. Collection method: clinical testing. Allele origin: germline. Affected: yes. Study: VKGL Data-share Consensus. Not counted in ClinVar's aggregate classification.

Diagnostic Laboratory, Department of Genetics, University Medical Center Groningen
Classification: Likely benign. Review status: no assertion criteria provided. Collection method: clinical testing. Allele origin: germline. Affected: yes. Study: VKGL Data-share Consensus. Not counted in ClinVar's aggregate classification.

Literature cited by the submitters: PubMed 28050010 (cited by 3 submitters); PubMed 29755653 (cited by 3 submitters); PubMed 26302956 (cited by Ambry Genetics and Quest Diagnostics Nichols Institute San Juan Capistrano); PubMed 29212164 (cited by Ambry Genetics); PubMed 29641532 (cited by Ambry Genetics).